The following is an entry in ClinVar:

ClinVar aggregate classification (germline): Uncertain significance. Review status: criteria provided, multiple submitters, no conflicts (2 of 4 stars). 3 submissions from 3 submitters: Uncertain significance (3). Last evaluated 2025-10-12.

Conditions:
Fraser syndrome 1 (FRASRS1). Also called: CRYPTOPHTHALMOS WITH OTHER MALFORMATIONS. Identifiers: Orphanet 2052, MedGen C4551480, MONDO:0054737, OMIM 219000.

Allele frequency attached by ClinVar (database versions not stated): TOPMed 0.00005; gnomAD 0.00006 and 0.00020; gnomAD exomes 0.00009 and 0.00034; ExAC 0.00012; 1000 Genomes Project 30x 0.00109; 1000 Genomes Project 0.00120.
gnomAD v4.1: 506 of 1,608,180 alleles (0.031%); highest among the groups gnomAD compares: East Asian, 1.1%; 11 homozygotes.

Submissions (3):

Women's Health and Genetics/Laboratory Corporation of America, LabCorp
Classification: Uncertain significance. Last evaluated: 2025-10-12. Review status: criteria provided, single submitter. Criteria: LabCorp Variant Classification Summary - May 2015. Collection method: clinical testing. Allele origin: germline.

Labcorp Genetics (formerly Invitae), Labcorp
Classification: Uncertain significance. Last evaluated: 2024-10-29. Review status: criteria provided, single submitter. Criteria: Invitae Variant Classification Sherloc (09022015). Collection method: clinical testing. Allele origin: germline.
Comment: This sequence change falls in intron 34 of the FRAS1 gene. It does not directly change the encoded amino acid sequence of the FRAS1 protein. It affects a nucleotide within the consensus splice site. This variant is present in population databases (rs76993002, gnomAD 0.1%). This variant has not been reported in the literature in individuals affected with FRAS1-related conditions. ClinVar contains an entry for this variant (Variation ID: 349716). Variants that disrupt the consensus splice site are a relatively common cause of aberrant splicing (PMID: 17576681, 9536098). Algorithms developed to predict the effect of sequence changes on RNA splicing suggest that this variant is not likely to affect RNA splicing. In summary, the available evidence is currently insufficient to determine the role of this variant in disease. Therefore, it has been classified as a Variant of Uncertain Significance.

Illumina Laboratory Services, Illumina
Classification: Uncertain significance for Fraser syndrome 1. Last evaluated: 2018-01-13. Review status: criteria provided, single submitter. Criteria: ICSL Variant Classification Criteria 13 December 2019. Collection method: clinical testing. Allele origin: germline.

Literature cited by the submitters: PubMed 17576681 (cited by Labcorp Genetics (formerly Invitae), Labcorp); PubMed 9536098 (cited by Labcorp Genetics (formerly Invitae), Labcorp).

NM_025074.7(FRAS1):c.4678+5T>C

Gene: FRAS1 (Fraser extracellular matrix complex subunit 1; plus strand). Cytogenetic location: 4q21.21.
Variant type: single nucleotide variant.
Coding change: c.4678+5T>C on transcript NM_025074.7 (MANE Select); 5 bases into the intron after coding-DNA position 4678, T replaced by C.
Molecular consequence: intron variant.
Genome position (GRCh38, 1-based): chr4:78,422,005, T>C. VCF-style: chr4-78422005-T-C. GRCh37 (hg19) VCF-style: chr4-79343159-T-C.
Other names: c.4678+5T>C (NM_001166133.2).
Identifiers: ClinVar variation 349716 (VCV000349716.8), dbSNP rs76993002, ClinGen allele CA2977271.